The following is an entry in ClinVar:

NM_007156.5(ZXDA):c.802C>T (p.Leu268=)

Gene: ZXDA (zinc finger X-linked duplicated A; minus strand). Cytogenetic location: Xp11.21.
Variant type: single nucleotide variant.
Coding change: c.802C>T on transcript NM_007156.5 (MANE Select); coding-DNA position 802, C replaced by T.
Protein change: p.Leu268=; no amino-acid change (leucine 268 retained).
Molecular consequence: synonymous variant.
Genome position (GRCh38, 1-based): chrX:57,909,619, G>A on the plus strand (C>T on the coding strand, the complement: ZXDA is on the minus strand). VCF-style: chrX-57909619-G-A. GRCh37 (hg19) VCF-style: chrX-57936053-G-A.
Identifiers: ClinVar variation 2660734 (VCV002660734.24), dbSNP rs765432908, ClinGen allele CA10431538.

ClinVar aggregate classification (germline): Likely benign (1 of 4 stars; one submission).

Allele frequency attached by ClinVar (database versions not stated): TOPMed 0.00009; gnomAD exomes 0.00011; ExAC 0.00012.

Submission:

CeGaT Center for Human Genetics Tuebingen
Classification: Likely benign. Last evaluated: 2023-04-01. Review status: criteria provided, single submitter. Criteria: CeGaT Center For Human Genetics Tuebingen Variant Classification Criteria Version 2. Collection method: clinical testing. Allele origin: germline. Affected: yes. Observed: 1 variant allele.
Comment: ZXDA: BP4, BP7, BS2